The following is an entry in ClinVar:

ClinVar aggregate classification (germline): Uncertain significance (1 of 4 stars; one submission).

Conditions:
Inborn genetic diseases. Identifiers: MedGen C0950123, MeSH D030342.

Submission:

Ambry Genetics
Classification: Uncertain significance for Inborn genetic diseases. Last evaluated: 2025-09-12. Review status: criteria provided, single submitter. Criteria: Ambry Variant Classification Scheme 2023. Collection method: clinical testing. Allele origin: germline.
Comment: The p.G583R variant (also known as c.1747G>A), located in coding exon 15 of the BUB1B gene, results from a G to A substitution at nucleotide position 1747. The glycine at codon 583 is replaced by arginine, an amino acid with dissimilar properties. This amino acid position is conserved. In addition, this alteration is predicted to be tolerated by in silico analysis. Since supporting evidence is limited at this time, the clinical significance of this alteration remains unclear.

NM_001211.6(BUB1B):c.1747G>A (p.Gly583Arg)

Gene: BUB1B (BUB1 mitotic checkpoint serine/threonine kinase B; plus strand). Cytogenetic location: 15q15.1.
Variant type: single nucleotide variant.
Coding change: c.1747G>A on transcript NM_001211.6 (MANE Select); coding-DNA position 1747, G replaced by A.
Protein change: p.Gly583Arg; replaces glycine 583 with arginine.
Molecular consequence: missense variant.
Genome position (GRCh38, 1-based): chr15:40,206,196, G>A. VCF-style: chr15-40206196-G-A. GRCh37 (hg19) VCF-style: chr15-40498397-G-A.
Other names: short protein forms G583R.
Identifiers: ClinVar variation 1779324 (VCV001779324.3), dbSNP rs2542564613, ClinGen allele CA391692176.
Genomic context (GRCh38, chr15:40,206,196, plus strand): 5'-TCATGTATTGAAATATTTTAGCTAAACTTTATATGGTCTTTATTTCAGGATGAATTTACA[G>A]GAATTGAACCCTTGAGCGAGGATGCCATTATCACAGGCTTCAGAAATGTAACAATTTGTC-3'
Protein context (NP_001202.5, residues 573-593): VSPDVCDEFT[Gly583Arg]IEPLSEDAII